The following is an entry in ClinVar:

ClinVar aggregate classification (germline): Uncertain significance (1 of 4 stars; one submission).

Allele frequency attached by ClinVar (database versions not stated): gnomAD exomes below 0.00001; TOPMed below 0.00001; ExAC 0.00001; gnomAD 0.00001.
gnomAD v4.1: 2 of 1,613,854 alleles (0.00012%); highest among the groups gnomAD compares: Non-Finnish European, 0.00017%; no homozygotes.

Submission:

Labcorp Genetics (formerly Invitae), Labcorp
Classification: Uncertain significance. Last evaluated: 2022-04-07. Review status: criteria provided, single submitter. Criteria: Invitae Variant Classification Sherloc (09022015). Collection method: clinical testing. Allele origin: germline.
Comment: In summary, the available evidence is currently insufficient to determine the role of this variant in disease. Therefore, it has been classified as a Variant of Uncertain Significance. Algorithms developed to predict the effect of missense changes on protein structure and function output the following: SIFT: "Tolerated"; PolyPhen-2: "Benign"; Align-GVGD: "Class C0". The glycine amino acid residue is found in multiple mammalian species, which suggests that this missense change does not adversely affect protein function. This variant has not been reported in the literature in individuals affected with CACNA1D-related conditions. This variant is present in population databases (rs759308735, gnomAD 0.0009%). This sequence change replaces serine, which is neutral and polar, with glycine, which is neutral and non-polar, at codon 2065 of the CACNA1D protein (p.Ser2065Gly).

NM_001128840.3(CACNA1D):c.6133A>G (p.Ser2045Gly)

Gene: CACNA1D (calcium voltage-gated channel subunit alpha1 D; plus strand). Cytogenetic location: 3p21.1.
Variant type: single nucleotide variant.
Coding change: c.6133A>G on transcript NM_001128840.3 (MANE Select); coding-DNA position 6133, A replaced by G.
Protein change: p.Ser2045Gly; replaces serine 2045 with glycine.
Molecular consequence: missense variant.
Genome position (GRCh38, 1-based): chr3:53,810,239, A>G. VCF-style: chr3-53810239-A-G. GRCh37 (hg19) VCF-style: chr3-53844266-A-G.
Other names: c.6193A>G, p.Ser2065Gly (NM_000720.4); c.6061A>G, p.Ser2021Gly (NM_001128839.3); short protein forms S2065G, S2021G, S2045G.
Identifiers: ClinVar variation 2122318 (VCV002122318.4), dbSNP rs759308735, ClinGen allele CA2455370.